The following is an entry in ClinVar:

ClinVar aggregate classification (germline): Conflicting classifications of pathogenicity. Review status: criteria provided, conflicting classifications (1 of 4 stars). 8 submissions from 8 submitters: Uncertain significance (1); Benign (1); Likely benign (4). 2 of the submissions do not count toward it. Last evaluated 2026-01-27.

Conditions:
Mucopolysaccharidosis, MPS-III-C (MPS3C). Also called: MUCOPOLYSACCHARIDOSIS, TYPE IIIC; mucopolysaccharidosis type 3C; SANFILIPPO SYNDROME C; MPS III C; MPS IIIC (Sanfilippo Syndrome Type C); Mucopolysaccharidosis type IIIC (Sanfilippo C). Identifiers: Orphanet 581, Orphanet 79271, MedGen C0086649, MONDO:0009657, OMIM 252930.
Retinitis pigmentosa 73 (RP73). Identifiers: Orphanet 791, MedGen C4225287, MONDO:0014687, OMIM 616544.
Retinal dystrophy. Also called: Inherited retinal dystrophy. Identifiers: Orphanet 71862, MedGen C0854723, MeSH D058499, MONDO:0019118, HP:0000556.
Inborn genetic diseases. Identifiers: MedGen C0950123, MeSH D030342.
HGSNAT-related disorder. Also called: HGSNAT-related condition.

Allele frequency attached by ClinVar (database versions not stated): 1000 Genomes Project 0.00160; gnomAD exomes 0.00037; ExAC 0.00041; gnomAD 0.00131 and 0.00138; TOPMed 0.00146; 1000 Genomes Project 30x 0.00172; ESP Exome Variant Server 0.00185.
gnomAD v4.1: 434 of 1,613,784 alleles (0.027%); highest among the groups gnomAD compares: African/African-American, 0.45%; 1 homozygote.

Submissions (8):

Labcorp Genetics (formerly Invitae), Labcorp
Classification: Benign for Retinitis pigmentosa 73; Mucopolysaccharidosis, MPS-III-C. Last evaluated: 2026-01-27. Review status: criteria provided, single submitter. Criteria: Invitae Variant Classification Sherloc (09022015). Collection method: clinical testing. Allele origin: germline.

Blueprint Genetics
Classification: Likely benign. Last evaluated: 2024-08-30. Review status: criteria provided, single submitter. Criteria: ACMG Guidelines, 2015. Collection method: clinical testing. Allele origin: germline.

Mayo Clinic Laboratories, Mayo Clinic
Classification: Uncertain significance. Last evaluated: 2024-02-26. Review status: criteria provided, single submitter. Criteria: ACMG Guidelines, 2015. Collection method: clinical testing. Allele origin: germline. Observed: 1 variant allele.
Comment: BS1

Women's Health and Genetics/Laboratory Corporation of America, LabCorp
Classification: Likely benign. Last evaluated: 2024-02-09. Review status: criteria provided, single submitter. Criteria: LabCorp Variant Classification Summary - May 2015. Collection method: clinical testing. Allele origin: germline.
Comment: Variant summary: HGSNAT c.1250C>T (p.Thr417Ile) results in a non-conservative amino acid change in the encoded protein sequence. Two of four in-silico tools predict a benign effect of the variant on protein function. Consensus agreement among computation tools predict no significant impact on normal splicing. However, these predictions have yet to be confirmed by functional studies. The variant allele was found at a frequency of 0.00046 in 280480 control chromosomes, predominantly at a frequency of 0.0045 within the African or African-American subpopulation in the gnomAD database, including 1 homozygote. The observed variant frequency within African or African-American control individuals in the gnomAD database is approximately 4 fold of the estimated maximal expected allele frequency for a pathogenic variant in HGSNAT causing Retinitis Pigmentosa 73 phenotype (0.0011), strongly suggesting that the variant is a benign polymorphism found primarily in populations of African or African-American origin. c.1250C>T has been reported in the literature in one individual affected with adult-onset nonsyndromic retinitis pigmentosa (Schiff_2020). The report does not provide unequivocal conclusions about association of the variant with Retinitis Pigmentosa 73. To our knowledge, no experimental evidence demonstrating an impact on protein function has been reported. The following publication have been ascertained in the context of this evaluation (PMID: 32770643). ClinVar contains an entry for this variant (Variation ID: 719495). Based on the evidence outlined above, the variant was classified as likely benign.

Dept Of Ophthalmology, Nagoya University
Classification: Likely benign for Retinal dystrophy. Last evaluated: 2023-10-01. Review status: criteria provided, single submitter. Criteria: Submitter's publication. Collection method: research. Allele origin: germline. Affected: yes.

Ambry Genetics
Classification: Likely benign for Inborn genetic diseases. Last evaluated: 2021-06-22. Review status: criteria provided, single submitter. Criteria: Ambry Variant Classification Scheme 2023. Collection method: clinical testing. Allele origin: germline.

PreventionGenetics, part of Exact Sciences
Classification: Likely benign for HGSNAT-related condition. Last evaluated: 2022-04-22. Review status: no assertion criteria provided. Collection method: clinical testing. Allele origin: germline. Not counted in ClinVar's aggregate classification.
Comment: This variant is classified as likely benign based on ACMG/AMP sequence variant interpretation guidelines (Richards et al. 2015 PMID: 25741868, with internal and published modifications).

Natera, Inc.
Classification: Uncertain significance for Mucopolysaccharidosis type IIIC. Last evaluated: 2019-11-11. Review status: no assertion criteria provided. Collection method: clinical testing. Allele origin: germline. Not counted in ClinVar's aggregate classification.

Literature cited by the submitters: PubMed 32770643 (cited by Mayo Clinic Laboratories, Mayo Clinic and Women's Health and Genetics/Laboratory Corporation of America, LabCorp).

NM_152419.3(HGSNAT):c.1250C>T (p.Thr417Ile)

Gene: HGSNAT (heparan-alpha-glucosaminide N-acetyltransferase; plus strand). Cytogenetic location: 8p11.21.
Variant type: single nucleotide variant.
Coding change: c.1250C>T on transcript NM_152419.3 (MANE Select); coding-DNA position 1250, C replaced by T.
Protein change: p.Thr417Ile; replaces threonine 417 with isoleucine.
Molecular consequence: missense variant.
Genome position (GRCh38, 1-based): chr8:43,191,595, C>T. VCF-style: chr8-43191595-C-T. GRCh37 (hg19) VCF-style: chr8-43046738-C-T.
Other names: p.Thr417Ile; c.1250C>T, p.Thr417Ile (NM_001363227.2); c.1058C>T, p.Thr353Ile (NM_001363228.2); c.386C>T, p.Thr129Ile (NM_001363229.2); short protein forms T129I, T353I, T417I.
Identifiers: ClinVar variation 719495 (VCV000719495.19), dbSNP rs200750044, ClinGen allele CA4736811.